The following is an entry in ClinVar:

ClinVar aggregate classification (germline): Conflicting classifications of pathogenicity. Review status: criteria provided, conflicting classifications (1 of 4 stars). 10 submissions from 10 submitters: Uncertain significance (2); Benign (3); Likely benign (3). 2 of the submissions do not count toward it. Last evaluated 2026-02-03.

Conditions:
Familial colorectal cancer type X. Identifiers: Orphanet 440437, MedGen C3896578, MONDO:0018604.
Polymerase proofreading-related adenomatous polyposis. Also called: Polymerase proofreading associated polyposis; Polymerase proofreading–associated polyposis (PPAP). Identifiers: Orphanet 447877, MedGen C5202613, MONDO:0018653.
POLE-related disorder. Also called: POLE-related disorders; POLE-related condition.
Hereditary cancer-predisposing syndrome. Also called: Tumor predisposition; Neoplastic Syndromes, Hereditary; Hereditary Cancer Syndrome; Hereditary neoplastic syndrome. Identifiers: Orphanet 140162, MedGen C0027672, MeSH D009386, MONDO:0015356.

Allele frequency attached by ClinVar (database versions not stated): gnomAD exomes 0.00011 and 0.00028; ExAC 0.00031; 1000 Genomes Project 0.00060; 1000 Genomes Project 30x 0.00062; TOPMed 0.00115; gnomAD 0.00119 and 0.00127; ESP Exome Variant Server 0.00123.
gnomAD v4.1: 350 of 1,614,034 alleles (0.022%); highest among the groups gnomAD compares: African/African-American, 0.41%; 2 homozygotes.

Submissions (10):

Labcorp Genetics (formerly Invitae), Labcorp
Classification: Benign. Last evaluated: 2026-02-03. Review status: criteria provided, single submitter. Criteria: Invitae Variant Classification Sherloc (09022015). Collection method: clinical testing. Allele origin: germline.

Women's Health and Genetics/Laboratory Corporation of America, LabCorp
Classification: Likely benign. Last evaluated: 2025-07-29. Review status: criteria provided, single submitter. Criteria: LabCorp Variant Classification Summary - May 2015. Collection method: clinical testing. Allele origin: germline.
Comment: Variant summary: POLE c.296C>T (p.Pro99Leu) results in a non-conservative amino acid change in the encoded protein sequence. Algorithms developed to predict the effect of missense changes on protein structure and function are either unavailable or do not agree on the potential impact of this missense change. The variant allele was found at a frequency of 0.00028 in 251448 control chromosomes, predominantly at a frequency of 0.0037 within the African or African-American subpopulation in the gnomAD database. The observed variant frequency within African or African-American control individuals in the gnomAD database is approximately 3-fold of the estimated maximal expected allele frequency for a pathogenic variant in POLE causing Facial Dysmorphism, Immunodeficiency, Livedo, And Short Stature phenotype (0.0011). c.296C>T has been observed in individual(s) affected with Breast Cancer, without strong evidence for causality (McDonald_2022). These report(s) do not provide unequivocal conclusions about association of the variant with Facial Dysmorphism, Immunodeficiency, Livedo, And Short Stature and other POLE related diseases. To our knowledge, no experimental evidence demonstrating an impact on protein function has been reported. The following publication has been ascertained in the context of this evaluation (PMID: 36315513). ClinVar contains an entry for this variant (Variation ID: 240452). Based on the evidence outlined above, the variant was classified as likely benign.

Ambry Genetics
Classification: Benign for Hereditary cancer-predisposing syndrome. Last evaluated: 2024-08-20. Review status: criteria provided, single submitter. Criteria: Ambry Variant Classification Scheme 2023. Collection method: clinical testing. Allele origin: germline.

Mendelics
Classification: Likely benign for Hereditary cancer-predisposing syndrome. Last evaluated: 2024-04-09. Review status: criteria provided, single submitter. Criteria: ACMG Guidelines, 2015. Collection method: clinical testing. Allele origin: unknown.

GeneDx
Classification: Uncertain significance. Last evaluated: 2021-10-15. Review status: criteria provided, single submitter. Criteria: GeneDx Variant Classification Process June 2021. Collection method: clinical testing. Allele origin: germline. Affected: yes.
Comment: In silico analysis supports that this missense variant has a deleterious effect on protein structure/function; Observed in individuals with cancer undergoing multi-gene panel testing (Mandelker 2017); This variant is associated with the following publications: (PMID: 15766587, 28873162)

Sema4
Classification: Likely benign for Hereditary cancer-predisposing syndrome. Last evaluated: 2021-07-13. Review status: criteria provided, single submitter. Criteria: Sema4 Curation Guidelines. Collection method: curation. Allele origin: germline.

Department of Pathology and Laboratory Medicine, Sinai Health System
Classification: Uncertain significance for Polymerase proofreading-related adenomatous polyposis; Familial colorectal cancer type X. Last evaluated: 2020-01-31. Review status: criteria provided, single submitter. Criteria: ACMG Guidelines, 2015. Collection method: clinical testing. Allele origin: germline. Affected: yes.

Quest Diagnostics Nichols Institute San Juan Capistrano
Classification: Benign. Last evaluated: 2019-06-18. Review status: criteria provided, single submitter. Criteria: Quest Diagnostics criteria. Collection method: clinical testing. Allele origin: germline.

PreventionGenetics, part of Exact Sciences
Classification: Likely benign for POLE-related condition. Last evaluated: 2021-04-22. Review status: no assertion criteria provided. Collection method: clinical testing. Allele origin: germline. Not counted in ClinVar's aggregate classification.
Comment: This variant is classified as likely benign based on ACMG/AMP sequence variant interpretation guidelines (Richards et al. 2015 PMID: 25741868, with internal and published modifications).

True Health Diagnostics
Classification: Uncertain significance for Hereditary cancer-predisposing syndrome. Last evaluated: 2017-10-26. Review status: no assertion criteria provided. Collection method: clinical testing. Allele origin: germline. Not counted in ClinVar's aggregate classification.

Literature cited by the submitters: PubMed 36315513 (cited by Women's Health and Genetics/Laboratory Corporation of America, LabCorp).

NM_006231.4(POLE):c.296C>T (p.Pro99Leu)

Gene: POLE (DNA polymerase epsilon, catalytic subunit; minus strand). Cytogenetic location: 12q24.33.
Variant type: single nucleotide variant.
Coding change: c.296C>T on transcript NM_006231.4 (MANE Select); coding-DNA position 296, C replaced by T.
Protein change: p.Pro99Leu; replaces proline 99 with leucine.
Molecular consequence: missense variant.
Genome position (GRCh38, 1-based): chr12:132,680,212, G>A on the plus strand (C>T on the coding strand, the complement: POLE is on the minus strand). VCF-style: chr12-132680212-G-A. GRCh37 (hg19) VCF-style: chr12-133256798-G-A.
Other names: short protein forms P99L.
Identifiers: ClinVar variation 240452 (VCV000240452.26), dbSNP rs5744739, ClinGen allele CA6894370.
Genomic context (GRCh38, chr12:132,680,212, plus strand): 5'-GACCTGAGTCTATGAAACACACTCACCTTTCTGGTCGCAATGTAGAAATACGGTTTATAG[G>A]GCAAAGCCACCTGTTAAGAGTCACCAACCCATCCAGGGGTGATGAGAAAGAAGAAAGCGA-3'
Protein context (NP_006222.2, residues 89-109): DDGSRFKVAL[Pro99Leu]YKPYFYIATR